The following is an entry in ClinVar:

NM_000186.4(CFH):c.1555A>G (p.Thr519Ala)

Gene: CFH (complement factor H; plus strand). Cytogenetic location: 1q31.3.
Variant type: single nucleotide variant.
Coding change: c.1555A>G on transcript NM_000186.4 (MANE Select); coding-DNA position 1555, A replaced by G.
Protein change: p.Thr519Ala; replaces threonine 519 with alanine.
Molecular consequence: missense variant.
Genome position (GRCh38, 1-based): chr1:196,715,628, A>G. VCF-style: chr1-196715628-A-G. GRCh37 (hg19) VCF-style: chr1-196684758-A-G.
Other names: short protein forms T519A.
Identifiers: ClinVar variation 4291398 (VCV004291398.1).
Genomic context (GRCh38, chr1:196,715,628, plus strand): 5'-ACATTCTAAATTTTTTATGCACTAGAATCTTGTGATATCCCAGTATTTATGAATGCCAGA[A>G]CTAAAAATGACTTCACATGGTTTAAGCTGAATGACACATTGGACTATGAATGCCATGATG-3'
Protein context (NP_000177.2, residues 509-529): CDIPVFMNAR[Thr519Ala]KNDFTWFKLN

ClinVar aggregate classification (germline): Uncertain significance (1 of 4 stars; one submission).

Conditions:
Atypical hemolytic-uremic syndrome. Identifiers: Orphanet 2134, MedGen C2931788, MONDO:0016244.
Basal laminar drusen. Also called: DRUSEN OF BRUCH MEMBRANE; DRUSEN, CUTICULAR; DRUSEN, EARLY ADULT-ONSET, GROUPED. Identifiers: Orphanet 75376, MedGen C0730295, MONDO:0007472, OMIM 126700.
Factor H deficiency (CFHD). Also called: COMPLEMENT FACTOR H DEFICIENCY; CFH DEFICIENCY. Identifiers: Orphanet 200421, MedGen C0398777, MONDO:0012350, OMIM 609814.
Age related macular degeneration 4. Identifiers: MedGen C1853147, MONDO:0012540, OMIM 610698.

gnomAD v4.1: 2 of 1,612,762 alleles (0.00012%); highest among the groups gnomAD compares: Non-Finnish European, 0.00017%; no homozygotes.

Submission:

Genomenon, Inc
Classification: Uncertain significance for Basal laminar drusen; Age related macular degeneration 4; Atypical hemolytic-uremic syndrome; Factor H deficiency. Last evaluated: 2025-10-02. Review status: criteria provided, single submitter. Criteria: Genomenon Sequence Variant Interpretation Standards - Updated. Collection method: curation. Allele origin: germline. Affected: no.
Comment: CFH p.Thr519Ala (c.1555A>G) is a missense variant that changes the amino acid at residue 519 from Threonine to Alanine. This variant has been reported in the published literature (PMID:17089378;15761120). It is absent or not present at a significant frequency in gnomAD. In silico models agree that this variant is not damaging. In conclusion, we classify CFH p.Thr519Ala (c.1555A>G) as a variant of uncertain significance.

Literature cited by the submitters: PubMed 17089378; PubMed 15761120.